The following is an entry in ClinVar:

NM_001163809.2(WDR81):c.218del (p.Leu73fs)

Gene: WDR81 (WD repeat domain 81; plus strand). Cytogenetic location: 17p13.3.
Variant type: Deletion.
Coding change: c.218del on transcript NM_001163809.2 (MANE Select); coding-DNA position 218, one base deleted (T; older notation c.218delT).
Protein change: p.Leu73fs; shifts the reading frame from leucine 73.
Molecular consequence: frameshift variant. On other transcripts: intron variant (3).
Genome position (GRCh38, 1-based): chr17:1,725,177, T deleted. VCF-style (leftmost placement, unchanged base first): chr17-1725176-CT-C. GRCh37 (hg19) VCF-style: chr17-1628470-CT-C.
Other names: c.-123-2813del (NM_152348.4); c.59-5203del (NM_001163673.2); c.-15+391del (NM_001163811.2); short protein forms L73fs.
Identifiers: ClinVar variation 1687637 (VCV001687637.3), dbSNP rs1485459176, ClinGen allele CA624565443.

ClinVar aggregate classification (germline): Pathogenic/Likely pathogenic. Review status: criteria provided, multiple submitters, no conflicts (2 of 4 stars). 2 submissions from 2 submitters: Pathogenic (1); Likely pathogenic (1). Last evaluated 2022-02-09.

Conditions:
WDR81-related disorder. Also called: WDR81-related condition.

Allele frequency attached by ClinVar (database versions not stated): gnomAD exomes 0.00001 and 0.00003; TOPMed 0.00001; gnomAD 0.00003 and 0.00004.

Submissions (2):

GeneDx
Classification: Pathogenic. Last evaluated: 2022-02-09. Review status: criteria provided, single submitter. Criteria: GeneDx Variant Classification Process June 2021. Collection method: clinical testing. Allele origin: germline. Affected: yes.
Comment: Frameshift variant predicted to result in protein truncation or nonsense mediated decay in a gene for which loss-of-function is a known mechanism of disease; This variant is associated with the following publications: (PMID: 31974414)

Blueprint Genetics
Classification: Likely pathogenic for WDR81-related disorders. Last evaluated: 2021-09-29. Review status: criteria provided, single submitter. Criteria: ACMG Guidelines, 2015. Collection method: clinical testing. Allele origin: germline. Affected: yes. Observed: 1 variant allele.